The following is an entry in ClinVar:

NM_002768.5(CHMP1A):c.211G>A (p.Ala71Thr)

Gene: CHMP1A (charged multivesicular body protein 1A; minus strand). Cytogenetic location: 16q24.3.
Variant type: single nucleotide variant.
Coding change: c.211G>A on transcript NM_002768.5 (MANE Select); coding-DNA position 211, G replaced by A.
Protein change: p.Ala71Thr; replaces alanine 71 with threonine.
Molecular consequence: missense variant. On other transcripts: non-coding transcript variant (1).
Genome position (GRCh38, 1-based): chr16:89,649,392, C>T on the plus strand (G>A on the coding strand, the complement: CHMP1A is on the minus strand). VCF-style: chr16-89649392-C-T. GRCh37 (hg19) VCF-style: chr16-89715800-C-T.
Other names: c.191G>A, p.Arg64His (NM_001083314.4); short protein forms A71T, R64H.
Identifiers: ClinVar variation 2126725 (VCV002126725.3), dbSNP rs1263980813, ClinGen allele CA397436061.

ClinVar aggregate classification (germline): Uncertain significance (1 of 4 stars; one submission).

Allele frequency attached by ClinVar (database versions not stated): gnomAD exomes below 0.00001; gnomAD 0.00001.
gnomAD v4.1: 6 of 1,613,550 alleles (0.00037%); highest among the groups gnomAD compares: South Asian, 0.0044%; no homozygotes.

Submission:

Labcorp Genetics (formerly Invitae), Labcorp
Classification: Uncertain significance. Last evaluated: 2024-10-16. Review status: criteria provided, single submitter. Criteria: Invitae Variant Classification Sherloc (09022015). Collection method: clinical testing. Allele origin: germline.
Comment: This sequence change replaces alanine, which is neutral and non-polar, with threonine, which is neutral and polar, at codon 71 of the CHMP1A protein (p.Ala71Thr). This variant is present in population databases (no rsID available, gnomAD no frequency). This variant has not been reported in the literature in individuals affected with CHMP1A-related conditions. ClinVar contains an entry for this variant (Variation ID: 2126725). An algorithm developed to predict the effect of missense changes on protein structure and function (PolyPhen-2) suggests that this variant¬†is likely to be tolerated. In summary, the available evidence is currently insufficient to determine the role of this variant in disease. Therefore, it has been classified as a Variant of Uncertain Significance.